The following is an entry in ClinVar:

ClinVar aggregate classification (germline): Conflicting classifications of pathogenicity. Review status: criteria provided, conflicting classifications (1 of 4 stars). 2 submissions from 2 submitters: Uncertain significance (1); Benign (1). Last evaluated 2025-06-01.

Allele frequency attached by ClinVar (database versions not stated): 1000 Genomes Project 30x 0.00016; 1000 Genomes Project 0.00020; TOPMed 0.00087; ESP Exome Variant Server 0.00092; ExAC 0.00098.
gnomAD v4.1: 2,550 of 1,613,478 alleles (0.16%); highest among the groups gnomAD compares: Non-Finnish European, 0.2%; 4 homozygotes.

Submissions (2):

CeGaT Center for Human Genetics Tuebingen
Classification: Benign. Last evaluated: 2025-06-01. Review status: criteria provided, single submitter. Criteria: CeGaT Center For Human Genetics Tuebingen Variant Classification Criteria Version 2. Collection method: clinical testing. Allele origin: germline. Affected: yes. Observed: 1 variant allele.
Comment: AHNAK: BP4, BS1, BS2

Ambry Genetics
Classification: Uncertain significance. Last evaluated: 2024-05-14. Review status: criteria provided, single submitter. Criteria: Ambry Variant Classification Scheme 2023. Collection method: clinical testing. Allele origin: germline.

NM_001620.3(AHNAK):c.2374G>C (p.Val792Leu)

Gene: AHNAK (AHNAK nucleoprotein; minus strand). Cytogenetic location: 11q12.3.
Variant type: single nucleotide variant.
Coding change: c.2374G>C on transcript NM_001620.3 (MANE Select); coding-DNA position 2374, G replaced by C.
Protein change: p.Val792Leu; replaces valine 792 with leucine.
Molecular consequence: missense variant. On other transcripts: intron variant (1).
Genome position (GRCh38, 1-based): chr11:62,532,043, C>G on the plus strand (G>C on the coding strand, the complement: AHNAK is on the minus strand). VCF-style: chr11-62532043-C-G. GRCh37 (hg19) VCF-style: chr11-62299515-C-G.
Other names: c.2374G>C, p.Val792Leu (NM_001346445.2, NM_001346446.2); c.342+2960G>C (NM_024060.4); short protein forms V792L.
Identifiers: ClinVar variation 2313408 (VCV002313408.13), dbSNP rs114000466, ClinGen allele CA6046525.
Genomic context (GRCh38, chr11:62,532,043, plus strand): 5'-TCATCTCAGGCATCTTAAACTTGGGCCCTTTCAATTTCCCTTCTGGTTCCTCAATGCTCA[C>G]ATCAGGAGCAGTAACATCTATCTTGGGCCCGGAAATGTCCACATCAGCCTTGGGCAGGTT-3'
Protein context (NP_001611.1, residues 782-802): GPKIDVTAPD[Val792Leu]SIEEPEGKLK